The following is an entry in ClinVar:

NM_000179.3(MSH6):c.1226G>A (p.Gly409Glu)

Gene: MSH6 (mutS homolog 6; plus strand). Cytogenetic location: 2p16.3.
Variant type: single nucleotide variant.
Coding change: c.1226G>A on transcript NM_000179.3 (MANE Select); coding-DNA position 1226, G replaced by A.
Protein change: p.Gly409Glu; replaces glycine 409 with glutamic acid.
Molecular consequence: missense variant.
Genome position (GRCh38, 1-based): chr2:47,799,209, G>A. VCF-style: chr2-47799209-G-A. GRCh37 (hg19) VCF-style: chr2-48026348-G-A.
Other names: c.836G>A, p.Gly279Glu (NM_001281492.2); c.320G>A, p.Gly107Glu (NM_001281493.2, NM_001281494.2); c.1226G>A (NM_000179.2); short protein forms G107E, G279E, G409E.
Identifiers: ClinVar variation 1284533 (VCV001284533.4), dbSNP rs2104329429, ClinGen allele CA346743610.

ClinVar aggregate classification (germline): Uncertain significance. Review status: criteria provided, single submitter (1 of 4 stars). 3 submissions from 3 submitters: Uncertain significance (1). 2 of the submissions do not count toward it. Last evaluated 2026-06-01.

Conditions:
Hereditary cancer-predisposing syndrome. Also called: Neoplastic Syndromes, Hereditary; Tumor predisposition; Hereditary Cancer Syndrome; Hereditary neoplastic syndrome. Identifiers: Orphanet 140162, MedGen C0027672, MeSH D009386, MONDO:0015356.

Submissions (3):

Ambry Genetics
Classification: Uncertain significance for Hereditary cancer-predisposing syndrome. Last evaluated: 2026-06-01. Review status: criteria provided, single submitter. Criteria: Ambry Variant Classification Scheme 2023. Collection method: clinical testing. Allele origin: germline.
Comment: The p.G409E variant (also known as c.1226G>A), located in coding exon 4 of the MSH6 gene, results from a G to A substitution at nucleotide position 1226. The glycine at codon 409 is replaced by glutamic acid, an amino acid with similar properties. This amino acid position is highly conserved in available vertebrate species. In addition, this alteration is predicted to be deleterious by in silico analysis. Based on the available evidence, the clinical significance of this variant remains unclear.

Clinical Genetics, Academic Medical Center
Classification: Uncertain significance. Review status: no assertion criteria provided. Collection method: clinical testing. Allele origin: germline. Affected: yes. Study: VKGL Data-share Consensus. Not counted in ClinVar's aggregate classification.

Diagnostic Laboratory, Department of Genetics, University Medical Center Groningen
Classification: Uncertain significance. Review status: no assertion criteria provided. Collection method: clinical testing. Allele origin: germline. Affected: yes. Study: VKGL Data-share Consensus. Not counted in ClinVar's aggregate classification.